The following is an entry in ClinVar:

ClinVar aggregate classification (germline): Uncertain significance (1 of 4 stars; one submission).

Submission:

Labcorp Genetics (formerly Invitae), Labcorp
Classification: Uncertain significance. Last evaluated: 2024-02-06. Review status: criteria provided, single submitter. Criteria: Invitae Variant Classification Sherloc (09022015). Collection method: clinical testing. Allele origin: germline.
Comment: This sequence change replaces arginine, which is basic and polar, with lysine, which is basic and polar, at codon 3615 of the HMCN1 protein (p.Arg3615Lys). This variant is not present in population databases (gnomAD no frequency). This variant has not been reported in the literature in individuals affected with HMCN1-related conditions. An algorithm developed to predict the effect of missense changes on protein structure and function (PolyPhen-2) suggests that this variant is likely to be disruptive. In summary, the available evidence is currently insufficient to determine the role of this variant in disease. Therefore, it has been classified as a Variant of Uncertain Significance.

NM_031935.3(HMCN1):c.10844G>A (p.Arg3615Lys)

Gene: HMCN1 (hemicentin 1; plus strand). Cytogenetic location: 1q31.1.
Variant type: single nucleotide variant.
Coding change: c.10844G>A on transcript NM_031935.3 (MANE Select); coding-DNA position 10844, G replaced by A.
Protein change: p.Arg3615Lys; replaces arginine 3615 with lysine.
Molecular consequence: missense variant.
Genome position (GRCh38, 1-based): chr1:186,106,957, G>A. VCF-style: chr1-186106957-G-A. GRCh37 (hg19) VCF-style: chr1-186076089-G-A.
Other names: short protein forms R3615K.
Identifiers: ClinVar variation 2721824 (VCV002721824.3), dbSNP rs2527974004, ClinGen allele CA343936185.